The following is an entry in ClinVar:

NM_000399.5(EGR2):c.507G>A (p.Pro169=)

Gene: EGR2 (early growth response 2; minus strand). Cytogenetic location: 10q21.3.
Variant type: single nucleotide variant.
Coding change: c.507G>A on transcript NM_000399.5 (MANE Select); coding-DNA position 507, G replaced by A.
Protein change: p.Pro169=; no amino-acid change (proline 169 retained).
Molecular consequence: synonymous variant.
Genome position (GRCh38, 1-based): chr10:62,814,131, C>T on the plus strand (G>A on the coding strand, the complement: EGR2 is on the minus strand). VCF-style: chr10-62814131-C-T. GRCh37 (hg19) VCF-style: chr10-64573891-C-T.
Other names: c.507G>A, p.Pro169= (NM_001136177.3, NM_001136178.2); c.357G>A, p.Pro119= (NM_001136179.3, NM_001321037.2); c.507G>A (NM_000399.4).
Identifiers: ClinVar variation 415907 (VCV000415907.13), dbSNP rs1060504688, ClinGen allele CA16612916.

ClinVar aggregate classification (germline): Likely benign. Review status: criteria provided, multiple submitters, no conflicts (2 of 4 stars). 3 submissions from 3 submitters: Likely benign (3). Last evaluated 2026-03-10.

Conditions:
EGR2-related disorder. Also called: EGR2-related condition.
Inborn genetic diseases. Identifiers: MedGen C0950123, MeSH D030342.
Charcot-Marie-Tooth disease, type I (CMT1). Also called: Charcot-Marie-Tooth, Type 1; Charcot-Marie-Tooth disease type 1. Identifiers: Orphanet 65753, MedGen C0751036, MONDO:0019011.

Allele frequency attached by ClinVar (database versions not stated): TOPMed below 0.00001; gnomAD 0.00001.
gnomAD v4.1: 12 of 1,613,576 alleles (0.00074%); highest among the groups gnomAD compares: African/African-American, 0.0013%; no homozygotes.

Submissions (3):

PreventionGenetics, part of Exact Sciences
Classification: Likely benign for EGR2-related condition. Last evaluated: 2026-03-10. Review status: criteria provided, single submitter. Criteria: ACMG Guidelines, 2015. Collection method: clinical testing. Allele origin: germline.
Comment: This variant is classified as likely benign based on ACMG/AMP sequence variant interpretation guidelines (Richards et al. 2015 PMID: 25741868, with internal and published modifications).

Labcorp Genetics (formerly Invitae), Labcorp
Classification: Likely benign for Charcot-Marie-Tooth disease, type I. Last evaluated: 2022-04-15. Review status: criteria provided, single submitter. Criteria: Invitae Variant Classification Sherloc (09022015). Collection method: clinical testing. Allele origin: germline.

Ambry Genetics
Classification: Likely benign for Inborn genetic diseases. Last evaluated: 2019-07-11. Review status: criteria provided, single submitter. Criteria: Ambry Variant Classification Scheme 2023. Collection method: clinical testing. Allele origin: germline.